The following is an entry in ClinVar:

ClinVar aggregate classification (germline): Pathogenic (1 of 4 stars; one submission).

Conditions:
Tuberous sclerosis 2 (TSC2). Identifiers: Orphanet 805, MedGen C1860707, MONDO:0013199, OMIM 613254.

Submission:

Labcorp Genetics (formerly Invitae), Labcorp
Classification: Pathogenic for Tuberous sclerosis 2. Last evaluated: 2025-09-20. Review status: criteria provided, single submitter. Criteria: Invitae Variant Classification Sherloc (09022015). Collection method: clinical testing. Allele origin: germline.
Comment: This sequence change creates a premature translational stop signal (p.Tyr779*) in the TSC2 gene. It is expected to result in an absent or disrupted protein product. Loss-of-function variants in TSC2 are known to be pathogenic (PMID: 10205261, 17304050). This variant is not present in population databases (gnomAD no frequency). This variant has not been reported in the literature in individuals affected with TSC2-related conditions. Algorithms developed to predict the effect of sequence changes on RNA splicing suggest that this variant may disrupt the consensus splice site. For these reasons, this variant has been classified as Pathogenic.

Literature cited by the submitters: PubMed 10205261; PubMed 17304050.

NM_000548.5(TSC2):c.2337C>G (p.Tyr779Ter)

Gene: TSC2 (TSC complex subunit 2; plus strand). Cytogenetic location: 16p13.3.
Variant type: single nucleotide variant.
Coding change: c.2337C>G on transcript NM_000548.5 (MANE Select); coding-DNA position 2337, C replaced by G.
Protein change: p.Tyr779Ter; replaces tyrosine 779 with a stop codon.
Molecular consequence: nonsense. On other transcripts: non-coding transcript variant (5).
Genome position (GRCh38, 1-based): chr16:2,072,965, C>G. VCF-style: chr16-2072965-C-G. GRCh37 (hg19) VCF-style: chr16-2122966-C-G.
Other names: c.2337C>G, p.Tyr779Ter (NM_001077183.3, NM_001114382.3, NM_001363528.2 and 6 more transcripts); c.2226C>G, p.Tyr742Ter (NM_001318827.2, NM_001406670.1, NM_001406678.1); c.2190C>G, p.Tyr730Ter (NM_001318829.2, NM_001406675.1, NM_001406676.1 and 1 more transcripts); c.1737C>G, p.Tyr579Ter (NM_001318831.2, NM_001406680.1, NM_001406682.1 and 6 more transcripts); c.2370C>G, p.Tyr790Ter (NM_001318832.2); c.2427C>G, p.Tyr809Ter (NM_001406667.1, NM_001406668.1); c.2325C>G, p.Tyr775Ter (NM_001406671.1, NM_001406673.1); c.2280C>G, p.Tyr760Ter (NM_001406677.1); and 3 more; short protein forms Y742*, Y790*, Y809*, Y331*, Y625*, Y730*, Y779*, Y775*.
Identifiers: ClinVar variation 4727501 (VCV004727501.1).